The following is an entry in ClinVar:

NM_173500.4(TTBK2):c.1573G>A (p.Glu525Lys)

Gene: TTBK2 (tau tubulin kinase 2; minus strand). Cytogenetic location: 15q15.2.
Variant type: single nucleotide variant.
Coding change: c.1573G>A on transcript NM_173500.4 (MANE Select); coding-DNA position 1573, G replaced by A.
Protein change: p.Glu525Lys; replaces glutamic acid 525 with lysine.
Molecular consequence: missense variant.
Genome position (GRCh38, 1-based): chr15:42,775,560, C>T on the plus strand (G>A on the coding strand, the complement: TTBK2 is on the minus strand). VCF-style: chr15-42775560-C-T. GRCh37 (hg19) VCF-style: chr15-43067758-C-T.
Other names: short protein forms E525K.
Identifiers: ClinVar variation 3363458 (VCV003363458.1).

ClinVar aggregate classification (germline): Uncertain significance (1 of 4 stars; one submission).

Submission:

GeneDx
Classification: Uncertain significance. Last evaluated: 2023-10-23. Review status: criteria provided, single submitter. Criteria: GeneDx Variant Classification Process June 2021. Collection method: clinical testing. Allele origin: germline. Affected: yes.
Comment: Not observed at significant frequency in large population cohorts (gnomAD); In silico analysis supports that this missense variant does not alter protein structure/function; Has not been previously published as pathogenic or benign to our knowledge